The following is an entry in ClinVar:

ClinVar aggregate classification (germline): Uncertain significance (1 of 4 stars; one submission).

Conditions:
Waardenburg syndrome type 2E (WS2E). Also called: WAARDENBURG SYNDROME, TYPE 2E, WITH OR WITHOUT NEUROLOGIC INVOLVEMENT; WS2E, WITH OR WITHOUT NEUROLOGIC INVOLVEMENT; HYPOGONADOTROPIC HYPOGONADISM WITH ANOSMIA AND DEAFNESS, WITH OR WITHOUT HYPOPIGMENTATION. Identifiers: Orphanet 3440, MedGen C2700405, MONDO:0012698, OMIM 611584.

Submission:

Diagnostics Services (NGS), CSIR - Centre For Cellular And Molecular Biology
Classification: Uncertain significance for Waardenburg syndrome type 2E. Last evaluated: 2025-05-01. Review status: criteria provided, single submitter. Criteria: ACMG Guidelines, 2015. Collection method: clinical testing. Allele origin: unknown. Affected: yes. Observed: 1 variant allele, 1 heterozygote.
Comment: The c.313A>G variant is not present in publicly available population databases like 1000 Genomes, EVS, gnomAD, Indian Exome Database or our internal database. This variant has neither been published in the literature for SOX10-related conditions nor reported to the clinical databases like Human Genome Mutation Database (HGMD), ClinVar or OMIM, in any affected individuals. In-silico pathogenicity prediction programs like SIFT, Polyphen-2, MutationTaster2021, CADD, Franklin etc predicted this variant to be likely deleterious, however these predictions were not confirmed by any published functional studies. This variant is present in a mutational hotspot region of the gene.

NM_006941.4(SOX10):c.313A>G (p.Lys105Glu)

Genes: POLR2F (RNA polymerase II, I and III subunit F; plus strand), SOX10 (SRY-box transcription factor 10; minus strand). Cytogenetic location: 22q13.1.
Variant type: single nucleotide variant.
Coding change: c.313A>G on transcript NM_006941.4 (MANE Select); coding-DNA position 313, A replaced by G.
Protein change: p.Lys105Glu; replaces lysine 105 with glutamic acid.
Molecular consequence: missense variant. On other transcripts: intron variant (3).
Genome position (GRCh38, 1-based): chr22:37,983,472, T>C on the plus strand (A>G on the coding strand, the complement: SOX10 is on the minus strand). VCF-style: chr22-37983472-T-C. GRCh37 (hg19) VCF-style: chr22-38379479-T-C.
Other names: c.*38+11162T>C (NM_001363825.1); c.294-2682T>C (NM_001301130.2); c.293+16302T>C (NM_001301131.2); short protein forms K105E.
Identifiers: ClinVar variation 4057293 (VCV004057293.1).